The following is an entry in ClinVar:

ClinVar aggregate classification (germline): Likely benign (1 of 4 stars; one submission).

Allele frequency attached by ClinVar (database versions not stated): gnomAD exomes below 0.00001.
gnomAD v4.1: 1 of 1,611,694 alleles (0.000062%); highest among the groups gnomAD compares: Non-Finnish European, 0.000085%; no homozygotes.

Submission:

GeneDx
Classification: Likely benign. Last evaluated: 2017-11-16. Review status: criteria provided, single submitter. Criteria: GeneDx Variant Classification (06012015). Collection method: clinical testing. Allele origin: germline. Affected: yes.
Comment: This variant is considered likely benign or benign based on one or more of the following criteria: it is a conservative change, it occurs at a poorly conserved position in the protein, it is predicted to be benign by multiple in silico algorithms, and/or has population frequency not consistent with disease.

NM_206926.2(SELENON):c.908+20C>T

Gene: SELENON (selenoprotein N; plus strand). Cytogenetic location: 1p36.11.
Variant type: single nucleotide variant.
Coding change: c.908+20C>T on transcript NM_206926.2 (MANE Select); 20 bases into the intron after coding-DNA position 908, C replaced by T.
Molecular consequence: intron variant.
Genome position (GRCh38, 1-based): chr1:25,809,840, C>T. VCF-style: chr1-25809840-C-T. GRCh37 (hg19) VCF-style: chr1-26136331-C-T.
Other names: c.1010+20C>T (NM_020451.3).
Identifiers: ClinVar variation 513275 (VCV000513275.1), dbSNP rs1553120231, ClinGen allele CA658795422.